The following is an entry in ClinVar:

NM_000214.3(JAG1):c.587G>T (p.Cys196Phe)

Gene: JAG1 (jagged canonical Notch ligand 1; minus strand). Cytogenetic location: 20p12.2.
Variant type: single nucleotide variant.
Coding change: c.587G>T on transcript NM_000214.3 (MANE Select); coding-DNA position 587, G replaced by T.
Protein change: p.Cys196Phe; replaces cysteine 196 with phenylalanine.
Molecular consequence: missense variant.
Genome position (GRCh38, 1-based): chr20:10,658,575, C>A on the plus strand (G>T on the coding strand, the complement: JAG1 is on the minus strand). VCF-style: chr20-10658575-C-A. GRCh37 (hg19) VCF-style: chr20-10639223-C-A.
Other names: short protein forms C196F.
Identifiers: ClinVar variation 3573070 (VCV003573070.2).
Genomic context (GRCh38, chr20:10,658,575, plus strand): 5'-CCATTCTGGTCACAGGCATAGTGTCCAAAGAAGTCATCTCTGGGGCGGCAGAACTTATTG[C>A]AGCCAAAGCCATAGTAGTAGTCATCACAGGTCACGCGGATCTGATACTCAAAGTGGGCAA-3'
Protein context (NP_000205.1, residues 186-206): TCDDYYYGFG[Cys196Phe]NKFCRPRDDF

Conditions:
Arteriohepatic dysplasia. Also called: Alagille Syndrome. Identifiers: Orphanet 52, MedGen C0085280, MeSH D016738, MONDO:0007318.

Submission:

Gilbert/Spinner Lab, Children's Hospital of Philadelphia
No classification provided (evidence only). Condition: Alagille syndrome. Review status: no classification provided. Collection method: research. Allele origin: not applicable. Functional consequence: functionally_abnormal.
ClinVar note: "not provided" was previously submitted as the classification for the variant. However, the classification appeared to be based only on an observation of functional data so it was converted to no classification on 2025-07-30.